The following is an entry in ClinVar:

NM_001008216.2(GALE):c.538G>A (p.Ala180Thr)

Gene: GALE (UDP-galactose-4-epimerase; minus strand). Cytogenetic location: 1p36.11.
Variant type: single nucleotide variant.
Coding change: c.538G>A on transcript NM_001008216.2 (MANE Select); coding-DNA position 538, G replaced by A.
Protein change: p.Ala180Thr; replaces alanine 180 with threonine.
Molecular consequence: missense variant.
Genome position (GRCh38, 1-based): chr1:23,797,138, C>T on the plus strand (G>A on the coding strand, the complement: GALE is on the minus strand). VCF-style: chr1-23797138-C-T. GRCh37 (hg19) VCF-style: chr1-24123628-C-T.
Other names: c.538G>A, p.Ala180Thr (NM_000403.4, NM_001127621.2); c.538G>A (NM_000403.3); short protein forms A180T.
Identifiers: ClinVar variation 1517112 (VCV001517112.5), dbSNP rs756590751, ClinGen allele CA685624.

ClinVar aggregate classification (germline): Uncertain significance. Review status: criteria provided, multiple submitters, no conflicts (2 of 4 stars). 2 submissions from 2 submitters: Uncertain significance (2). Last evaluated 2024-10-24.

Conditions:
Inborn genetic diseases. Identifiers: MedGen C0950123, MeSH D030342.
UDPglucose-4-epimerase deficiency. Also called: GALACTOSEMIA III; GALE DEFICIENCY; Epimerase Deficiency Galactosemia; Galactose epimerase deficiency; UDPglucose 4-Epimerase Deficiency Disease; UDP-GALACTOSE-4-EPIMERASE DEFICIENCY. Identifiers: Orphanet 352, Orphanet 79238, MedGen C0751161, MONDO:0009257, OMIM 230350.

Allele frequency attached by ClinVar (database versions not stated): gnomAD 0.00001; gnomAD exomes 0.00001 and 0.00003; TOPMed 0.00001; ExAC 0.00003.
gnomAD v4.1: 13 of 1,606,868 alleles (0.00081%); highest among the groups gnomAD compares: East Asian, 0.0045%; no homozygotes.

Submissions (2):

Labcorp Genetics (formerly Invitae), Labcorp
Classification: Uncertain significance for UDPglucose-4-epimerase deficiency. Last evaluated: 2024-10-24. Review status: criteria provided, single submitter. Criteria: Invitae Variant Classification Sherloc (09022015). Collection method: clinical testing. Allele origin: germline.
Comment: This sequence change replaces alanine, which is neutral and non-polar, with threonine, which is neutral and polar, at codon 180 of the GALE protein (p.Ala180Thr). This variant is present in population databases (rs756590751, gnomAD 0.003%). This missense change has been observed in individual(s) with a positive newborn screening result for GALE-related disease (PMID: 36056436). ClinVar contains an entry for this variant (Variation ID: 1517112). Invitae Evidence Modeling of protein sequence and biophysical properties (such as structural, functional, and spatial information, amino acid conservation, physicochemical variation, residue mobility, and thermodynamic stability) indicates that this missense variant is not expected to disrupt GALE protein function with a negative predictive value of 80%. In summary, the available evidence is currently insufficient to determine the role of this variant in disease. Therefore, it has been classified as a Variant of Uncertain Significance.

Ambry Genetics
Classification: Uncertain significance for Inborn genetic diseases. Last evaluated: 2021-06-30. Review status: criteria provided, single submitter. Criteria: Ambry Variant Classification Scheme 2023. Collection method: clinical testing. Allele origin: germline.
Comment: The c.538G>A (p.A180T) alteration is located in exon 7 (coding exon 5) of the GALE gene. This alteration results from a G to A substitution at nucleotide position 538, causing the alanine (A) at amino acid position 180 to be replaced by a threonine (T). The in silico prediction for the p.A180T alteration is inconclusive. Based on insufficient or conflicting evidence, the clinical significance of this alteration remains unclear.

Literature cited by the submitters: PubMed 36056436 (cited by Labcorp Genetics (formerly Invitae), Labcorp).